The following is an entry in ClinVar:

NM_003907.3(EIF2B5):c.722G>A (p.Arg241Gln)

Gene: EIF2B5 (eukaryotic translation initiation factor 2B subunit epsilon; plus strand). Cytogenetic location: 3q27.1.
Variant type: single nucleotide variant.
Coding change: c.722G>A on transcript NM_003907.3 (MANE Select); coding-DNA position 722, G replaced by A.
Protein change: p.Arg241Gln; replaces arginine 241 with glutamine.
Molecular consequence: missense variant.
Genome position (GRCh38, 1-based): chr3:184,138,203, G>A. VCF-style: chr3-184138203-G-A. GRCh37 (hg19) VCF-style: chr3-183855991-G-A.
Other names: short protein forms R241Q.
Identifiers: ClinVar variation 1502849 (VCV001502849.7), dbSNP rs1713453539, ClinGen allele CA355382972.

ClinVar aggregate classification (germline): Conflicting classifications of pathogenicity. Review status: criteria provided, conflicting classifications (1 of 4 stars). 2 submissions from 2 submitters: Likely pathogenic (1); Uncertain significance (1). Last evaluated 2024-10-01.

Submissions (2):

Women's Health and Genetics/Laboratory Corporation of America, LabCorp
Classification: Uncertain significance. Last evaluated: 2024-10-01. Review status: criteria provided, single submitter. Criteria: LabCorp Variant Classification Summary - May 2015. Collection method: clinical testing. Allele origin: germline.
Comment: Variant summary: EIF2B5 c.722G>A (p.Arg241Gln) results in a conservative amino acid change located in the Translation initiation factor eIF-2B subunit epsilon, N-terminal domain (IPR035543) of the encoded protein sequence. Four of five in-silico tools predict a damaging effect of the variant on protein function. The variant was absent in 251492 control chromosomes. The available data on variant occurrences in the general population are insufficient to allow any conclusion about variant significance. To our knowledge, no occurrence of c.722G>A in individuals affected with Leukoencephalopathy With Vanishing White Matter and no experimental evidence demonstrating its impact on protein function have been reported in the literature, however Invitae has reported internal clinical data. ClinVar contains an entry for this variant (Variation ID: 1502849). Based on the evidence outlined above, the variant was classified as uncertain significance.

Labcorp Genetics (formerly Invitae), Labcorp
Classification: Likely pathogenic. Last evaluated: 2023-12-19. Review status: criteria provided, single submitter. Criteria: Invitae Variant Classification Sherloc (09022015). Collection method: clinical testing. Allele origin: germline.
Comment: This sequence change replaces arginine, which is basic and polar, with glutamine, which is neutral and polar, at codon 241 of the EIF2B5 protein (p.Arg241Gln). This variant is not present in population databases (gnomAD no frequency). This missense change has been observed in individual(s) with clinical features of leukoencephalopathy with vanishing white matter (Invitae). In at least one individual the data is consistent with being in trans (on the opposite chromosome) from a pathogenic variant. ClinVar contains an entry for this variant (Variation ID: 1502849). Advanced modeling of protein sequence and biophysical properties (such as structural, functional, and spatial information, amino acid conservation, physicochemical variation, residue mobility, and thermodynamic stability) has been performed at Invitae for this missense variant, however the output from this modeling did not meet the statistical confidence thresholds required to predict the impact of this variant on EIF2B5 protein function. In summary, the currently available evidence indicates that the variant is pathogenic, but additional data are needed to prove that conclusively. Therefore, this variant has been classified as Likely Pathogenic.